The following is an entry in ClinVar:

ClinVar aggregate classification (germline): Likely benign (0 of 4 stars; one submission).

Conditions:
BDNF-related disorder. Also called: BDNF-related condition.

gnomAD v4.1: 3 of 1,614,184 alleles (0.00019%); highest among the groups gnomAD compares: Non-Finnish European, 0.00025%; no homozygotes.

Submission:

PreventionGenetics, part of Exact Sciences
Classification: Likely benign for BDNF-related condition. Last evaluated: 2023-09-08. Review status: no assertion criteria provided. Collection method: clinical testing. Allele origin: germline.
Comment: This variant is classified as likely benign based on ACMG/AMP sequence variant interpretation guidelines (Richards et al. 2015 PMID: 25741868, with internal and published modifications).

NM_001709.5(BDNF):c.-22+764G>A

Gene: BDNF (brain derived neurotrophic factor; minus strand). Cytogenetic location: 11p14.1.
Variant type: single nucleotide variant.
Coding change: c.-22+764G>A on transcript NM_001709.5 (MANE Select); 764 bases into the intron after 22 bases upstream of the start codon, G replaced by A.
Molecular consequence: intron variant. On other transcripts: synonymous variant (1).
Genome position (GRCh38, 1-based): chr11:27,699,400, C>T on the plus strand (G>A on the coding strand, the complement: BDNF is on the minus strand). VCF-style: chr11-27699400-C-T. GRCh37 (hg19) VCF-style: chr11-27720947-C-T.
Other names: c.6G>A, p.Gln2= (NM_170734.4); c.3+22012G>A (NM_170731.5); c.-22+21244G>A (NM_001143805.1); c.-22+21029G>A (NM_001143806.1); c.-22+20946G>A (NM_170732.4); c.-22+20111G>A (NM_001143807.2); c.-22+1897G>A (NM_170733.4); c.-22+1581G>A (NM_001143808.2); and 6 more.
Identifiers: ClinVar variation 3348961 (VCV003348961.1).